The following is an entry in ClinVar:

NM_201384.3(PLEC):c.4044+143C>T

Gene: PLEC (plectin; minus strand). Cytogenetic location: 8q24.3.
Variant type: single nucleotide variant.
Coding change: c.4044+143C>T on transcript NM_201384.3 (MANE Select); 143 bases into the intron after coding-DNA position 4044, C replaced by T.
Molecular consequence: intron variant.
Genome position (GRCh38, 1-based): chr8:143,926,641, G>A on the plus strand (C>T on the coding strand, the complement: PLEC is on the minus strand). VCF-style: chr8-143926641-G-A. GRCh37 (hg19) VCF-style: chr8-145000809-G-A.
Other names: c.4125+143C>T (NM_000445.5); c.4002+143C>T (NM_201378.4); c.3978+143C>T (NM_201379.3); c.4455+143C>T (NM_201380.4); c.3948+143C>T (NM_201381.3); c.4044+143C>T (NM_201382.4); c.4056+143C>T (NM_201383.3).
Identifiers: ClinVar variation 667891 (VCV000667891.1), dbSNP rs7017789, ClinGen allele CA12780797.
Genomic context (GRCh38, chr8:143,926,641, plus strand): 5'-TAGCCACACCAGGCCAGGGGGGCAGGCCACAGGTGGGGCAGCCTGGGGCAGGCTGAGCTG[G>A]GGGCAGGGGGTGCTGGCAGCGCCAGTGGGGAGAGTGGGGAGGGCCACGAGAGGTGGCCTC-3'

ClinVar aggregate classification (germline): Benign (1 of 4 stars; one submission).

Allele frequency attached by ClinVar (database versions not stated): 1000 Genomes Project 30x 0.22923; 1000 Genomes Project 0.23083; TOPMed 0.28157; gnomAD 0.29912 and 0.30096; gnomAD exomes 0.37343.
gnomAD v4.1: 276,492 of 769,558 alleles (36%); highest among the groups gnomAD compares: Non-Finnish European, 41%; 54,267 homozygotes.

Submission:

GeneDx
Classification: Benign. Last evaluated: 2018-06-19. Review status: criteria provided, single submitter. Criteria: GeneDx Variant Classification (06012015). Collection method: clinical testing. Allele origin: germline. Affected: yes.
Comment: This variant is considered likely benign or benign based on one or more of the following criteria: it is a conservative change, it occurs at a poorly conserved position in the protein, it is predicted to be benign by multiple in silico algorithms, and/or has population frequency not consistent with disease.